The following is an entry in ClinVar:

NM_000318.3(PEX2):c.288G>A (p.Gln96=)

Gene: PEX2 (peroxisomal biogenesis factor 2; minus strand). Cytogenetic location: 8q21.13.
Variant type: single nucleotide variant.
Coding change: c.288G>A on transcript NM_000318.3 (MANE Select); coding-DNA position 288, G replaced by A.
Protein change: p.Gln96=; no amino-acid change (glutamine 96 retained).
Molecular consequence: synonymous variant.
Genome position (GRCh38, 1-based): chr8:76,983,891, C>T on the plus strand (G>A on the coding strand, the complement: PEX2 is on the minus strand). VCF-style: chr8-76983891-C-T. GRCh37 (hg19) VCF-style: chr8-77896127-C-T.
Other names: c.288G>A, p.Gln96= (NM_001079867.2, NM_001172086.2, NM_001172087.2).
Identifiers: ClinVar variation 765168 (VCV000765168.14), dbSNP rs370236723, ClinGen allele CA4788740.

ClinVar aggregate classification (germline): Likely benign. Review status: criteria provided, multiple submitters, no conflicts (2 of 4 stars). 4 submissions from 4 submitters: Likely benign (2). 2 of the submissions do not count toward it. Last evaluated 2025-12-01.

Conditions:
Peroxisome biogenesis disorder 5A (Zellweger) (PBD5A). Identifiers: Orphanet 912, MedGen C3553940, MONDO:0013932, OMIM 614866.
PEX2-related disorder. Also called: PEX2-related condition.
Zellweger spectrum disorders (ZS). Also called: Zellweger Spectrum Disorder; Zellweger Spectrum; Zellweger Spectrum Disorder (ZSD); Zellweger syndrome. Identifiers: Orphanet 912, MedGen C0043459, MONDO:0019609.

Allele frequency attached by ClinVar (database versions not stated): gnomAD exomes 0.00006 and 0.00009; ExAC 0.00007; gnomAD 0.00008 and 0.00009; TOPMed 0.00012; ESP Exome Variant Server 0.00031.
gnomAD v4.1: 137 of 1,613,988 alleles (0.0085%); highest among the groups gnomAD compares: Non-Finnish European, 0.011%; no homozygotes.

Submissions (4):

Labcorp Genetics (formerly Invitae), Labcorp
Classification: Likely benign for Peroxisome biogenesis disorder 5A (Zellweger). Last evaluated: 2025-12-01. Review status: criteria provided, single submitter. Criteria: Invitae Variant Classification Sherloc (09022015). Collection method: clinical testing. Allele origin: germline.

Blueprint Genetics
Classification: Likely benign. Last evaluated: 2024-05-03. Review status: criteria provided, single submitter. Criteria: ACMG Guidelines, 2015. Collection method: clinical testing. Allele origin: germline.

Natera, Inc.
Classification: Uncertain significance for Zellweger syndrome. Last evaluated: 2020-01-24. Review status: no assertion criteria provided. Collection method: clinical testing. Allele origin: germline. Not counted in ClinVar's aggregate classification.

PreventionGenetics, part of Exact Sciences
Classification: Likely benign for PEX2-related condition. Last evaluated: 2019-10-28. Review status: no assertion criteria provided. Collection method: clinical testing. Allele origin: germline. Not counted in ClinVar's aggregate classification.
Comment: This variant is classified as likely benign based on ACMG/AMP sequence variant interpretation guidelines (Richards et al. 2015 PMID: 25741868, with internal and published modifications).